The following is an entry in ClinVar:

ClinVar aggregate classification (germline): Conflicting classifications of pathogenicity. Review status: criteria provided, conflicting classifications (1 of 4 stars). 7 submissions from 6 submitters: Uncertain significance (6); Likely benign (1). Last evaluated 2026-01-26.

Conditions:
Intellectual disability, autosomal dominant 16 (CSS4). Also called: COFFIN-SIRIS SYNDROME 4. Identifiers: Orphanet 1465, MedGen C3553249, MONDO:0013821, OMIM 614609.
Hereditary cancer-predisposing syndrome. Also called: Hereditary neoplastic syndrome; Neoplastic Syndromes, Hereditary; Hereditary Cancer Syndrome; Tumor predisposition. Identifiers: Orphanet 140162, MedGen C0027672, MeSH D009386, MONDO:0015356.
Rhabdoid tumor predisposition syndrome 2 (RTPS2). Identifiers: Orphanet 231108, Orphanet 69077, MedGen C2750074, MONDO:0013224, OMIM 613325.

Allele frequency attached by ClinVar (database versions not stated): gnomAD exomes 0.00001; TOPMed 0.00001; gnomAD 0.00002.
gnomAD v4.1: 11 of 1,612,614 alleles (0.00068%); highest among the groups gnomAD compares: Middle Eastern, 0.016%; no homozygotes.

Submissions (7):

Labcorp Genetics (formerly Invitae), Labcorp
Classification: Uncertain significance for Rhabdoid tumor predisposition syndrome 2. Last evaluated: 2026-01-26. Review status: criteria provided, single submitter. Criteria: Invitae Variant Classification Sherloc (09022015). Collection method: clinical testing. Allele origin: germline.
Comment: This sequence change replaces aspartic acid, which is acidic and polar, with asparagine, which is neutral and polar, at codon 1467 of the SMARCA4 protein (p.Asp1467Asn). This variant is not present in population databases (gnomAD no frequency). This missense change has been observed in individual(s) with clinical features of SMARCB1-related conditions (PMID: 37500730). ClinVar contains an entry for this variant (Variation ID: 470399). Invitae Evidence Modeling of protein sequence and biophysical properties (such as structural, functional, and spatial information, amino acid conservation, physicochemical variation, residue mobility, and thermodynamic stability) has been performed for this missense variant. However, the output from this modeling did not meet the statistical confidence thresholds required to predict the impact of this variant on SMARCA4 protein function. In summary, the available evidence is currently insufficient to determine the role of this variant in disease. Therefore, it has been classified as a Variant of Uncertain Significance.

Blueprint Genetics
Classification: Uncertain significance. Last evaluated: 2023-10-03. Review status: criteria provided, single submitter. Criteria: ACMG Guidelines, 2015. Collection method: clinical testing. Allele origin: germline.

Baylor Genetics
Classification: Uncertain significance for Rhabdoid tumor predisposition syndrome 2. Last evaluated: 2023-05-23. Review status: criteria provided, single submitter. Criteria: ACMG Guidelines, 2015. Collection method: clinical testing. Allele origin: unknown.

Ambry Genetics
Classification: Likely benign for Hereditary cancer-predisposing syndrome. Last evaluated: 2023-04-26. Review status: criteria provided, single submitter. Criteria: Ambry Variant Classification Scheme 2023. Collection method: clinical testing. Allele origin: germline.

Genome-Nilou Lab
Classification: Uncertain significance for Intellectual disability, autosomal dominant 16. Last evaluated: 2021-07-15. Review status: criteria provided, single submitter. Criteria: ACMG Guidelines, 2015. Collection method: clinical testing. Allele origin: germline. Affected: no.

Genetic Services Laboratory, University of Chicago
Classification: Uncertain significance. Last evaluated: 2021-03-11. Review status: criteria provided, single submitter. Criteria: ACMG Guidelines, 2015. Collection method: clinical testing. Allele origin: germline. Affected: no.

Baylor Genetics
Classification: Uncertain significance for Intellectual disability, autosomal dominant 16. Last evaluated: 2019-07-22. Review status: criteria provided, single submitter. Criteria: ACMG Guidelines, 2015. Collection method: clinical testing. Allele origin: unknown. Affected: yes.
Comment: This variant was determined to be of uncertain significance according to ACMG Guidelines, 2015 [PMID:25741868].

Literature cited by the submitters: PubMed 37500730 (cited by Labcorp Genetics (formerly Invitae), Labcorp).

NM_003072.5(SMARCA4):c.4303G>A (p.Asp1435Asn)

Gene: SMARCA4 (SWI/SNF related BAF chromatin remodeling complex subunit ATPase 4; plus strand). Cytogenetic location: 19p13.2.
Variant type: single nucleotide variant.
Coding change: c.4303G>A on transcript NM_003072.5 (MANE Select); coding-DNA position 4303, G replaced by A.
Protein change: p.Asp1435Asn; replaces aspartic acid 1435 with asparagine.
Molecular consequence: missense variant. On other transcripts: non-coding transcript variant (1).
Genome position (GRCh38, 1-based): chr19:11,041,439, G>A. VCF-style: chr19-11041439-G-A. GRCh37 (hg19) VCF-style: chr19-11152115-G-A.
Other names: c.4303G>A, p.Asp1435Asn (NM_001128844.3); c.4213G>A, p.Asp1405Asn (NM_001128845.2, NM_001128846.2); c.4204G>A, p.Asp1402Asn (NM_001128847.4, NM_001128848.2, NM_001374457.1); c.4399G>A, p.Asp1467Asn (NM_001128849.3, NM_001387283.1); short protein forms D1467N, D1405N, D1402N, D1435N.
Identifiers: ClinVar variation 470399 (VCV000470399.23), dbSNP rs796506759, ClinGen allele CA305294397.